The following is an entry in ClinVar:

NM_000051.4(ATM):c.1846A>G (p.Thr616Ala)

Gene: ATM (ATM serine/threonine kinase; plus strand). Cytogenetic location: 11q22.3.
Variant type: single nucleotide variant.
Coding change: c.1846A>G on transcript NM_000051.4 (MANE Select); coding-DNA position 1846, A replaced by G.
Protein change: p.Thr616Ala; replaces threonine 616 with alanine.
Molecular consequence: missense variant.
Genome position (GRCh38, 1-based): chr11:108,252,860, A>G. VCF-style: chr11-108252860-A-G. GRCh37 (hg19) VCF-style: chr11-108123587-A-G.
Other names: c.1846A>G, p.Thr616Ala (NM_001351834.2); short protein forms T616A.
Identifiers: ClinVar variation 135736 (VCV000135736.11), dbSNP rs587780615, ClinGen allele CA164085.

ClinVar aggregate classification (germline): Uncertain significance. Review status: criteria provided, multiple submitters, no conflicts (2 of 4 stars). 2 submissions from 2 submitters: Uncertain significance (2). Last evaluated 2024-07-24.

Conditions:
Hereditary cancer-predisposing syndrome. Also called: Tumor predisposition; Hereditary neoplastic syndrome; Neoplastic Syndromes, Hereditary; Hereditary Cancer Syndrome. Identifiers: Orphanet 140162, MedGen C0027672, MeSH D009386, MONDO:0015356.
Ataxia-telangiectasia syndrome (AT). Also called: ATAXIA-TELANGIECTASIA, COMPLEMENTATION GROUP A; ATAXIA-TELANGIECTASIA, FRESNO VARIANT; Ataxia-telangiectasia; LOUIS-BAR SYNDROME; Cerebello-oculocutaneous telangiectasia; Immunodeficiency with ataxia telangiectasia. Identifiers: Orphanet 100, MedGen C0004135, MONDO:0008840, OMIM 208900.

Allele frequency attached by ClinVar (database versions not stated): gnomAD exomes below 0.00001.
gnomAD v4.1: 2 of 1,613,092 alleles (0.00012%); highest among the groups gnomAD compares: Non-Finnish European, 0.00017%; no homozygotes.

Submissions (2):

Labcorp Genetics (formerly Invitae), Labcorp
Classification: Uncertain significance for Ataxia-telangiectasia syndrome. Last evaluated: 2024-07-24. Review status: criteria provided, single submitter. Criteria: Invitae Variant Classification Sherloc (09022015). Collection method: clinical testing. Allele origin: germline.
Comment: This sequence change replaces threonine, which is neutral and polar, with alanine, which is neutral and non-polar, at codon 616 of the ATM protein (p.Thr616Ala). This variant is not present in population databases (gnomAD no frequency). This variant has not been reported in the literature in individuals affected with ATM-related conditions. ClinVar contains an entry for this variant (Variation ID: 135736). An algorithm developed to predict the effect of missense changes on protein structure and function (PolyPhen-2) suggests that this variant is likely to be tolerated. In summary, the available evidence is currently insufficient to determine the role of this variant in disease. Therefore, it has been classified as a Variant of Uncertain Significance.

Ambry Genetics
Classification: Uncertain significance for Hereditary cancer-predisposing syndrome. Last evaluated: 2013-11-23. Review status: criteria provided, single submitter. Criteria: Ambry Autosomal Dominant and X-Linked criteria (10/2015). Collection method: clinical testing. Allele origin: germline. Observed: 1 variant allele.
Comment: Ã¢â‚¬â€¹The p.T616A variant (also known as c.1846A>G) is located in coding exon 11 of the ATM gene. This alteration results from a A to G substitution at nucleotide position 1846. The threonine at codon 616 is replaced by alanine, an amino acid with similar properties. This variant was not reported in population-based cohorts in the following databases: Database of Single Nucleotide Polymorphisms (dbSNP), NHLBI Exome Sequencing Project (ESP) and 1000 Genomes Project. To date, this alteration has been detected with an allele frequency of approximately 0.02% (greater than 5800 alleles tested) in our clinical cohort (includes this individual). Based on protein sequence alignment, this amino acid position is highly conserved in available vertebrate species. However, this alteration is predicted to be benign and tolerated by PolyPhen and SIFT in silico analyses, respectively. Since supporting evidence is limited at this time, the clinical significance of p.T616A remains unclear.